The following is an entry in ClinVar:

ClinVar aggregate classification (germline): Uncertain significance (1 of 4 stars; one submission).

Conditions:
Multiple endocrine neoplasia, type 1 (MEN1). Also called: MEN I; WERMER SYNDROME; Endocrine adenomatosis multiple; MEN 1; MEA I. Identifiers: Orphanet 652, MedGen C0025267, MeSH D018761, MONDO:0007540, OMIM 131100.

Submission:

Labcorp Genetics (formerly Invitae), Labcorp
Classification: Uncertain significance for Multiple endocrine neoplasia, type 1. Last evaluated: 2024-01-03. Review status: criteria provided, single submitter. Criteria: Invitae Variant Classification Sherloc (09022015). Collection method: clinical testing. Allele origin: germline.
Comment: This sequence change replaces leucine, which is neutral and non-polar, with phenylalanine, which is neutral and non-polar, at codon 61 of the MEN1 protein (p.Leu61Phe). This variant is not present in population databases (gnomAD no frequency). This variant has not been reported in the literature in individuals affected with MEN1-related conditions. Advanced modeling of protein sequence and biophysical properties (such as structural, functional, and spatial information, amino acid conservation, physicochemical variation, residue mobility, and thermodynamic stability) has been performed at Invitae for this missense variant, however the output from this modeling did not meet the statistical confidence thresholds required to predict the impact of this variant on MEN1 protein function. In summary, the available evidence is currently insufficient to determine the role of this variant in disease. Therefore, it has been classified as a Variant of Uncertain Significance.

NM_001370259.2(MEN1):c.181C>T (p.Leu61Phe)

Gene: MEN1 (menin 1; minus strand). Cytogenetic location: 11q13.1.
Variant type: single nucleotide variant.
Coding change: c.181C>T on transcript NM_001370259.2 (MANE Select); coding-DNA position 181, C replaced by T.
Protein change: p.Leu61Phe; replaces leucine 61 with phenylalanine.
Molecular consequence: missense variant. On other transcripts: non-coding transcript variant (4).
Genome position (GRCh38, 1-based): chr11:64,809,929, G>A on the plus strand (C>T on the coding strand, the complement: MEN1 is on the minus strand). VCF-style: chr11-64809929-G-A. GRCh37 (hg19) VCF-style: chr11-64577401-G-A.
Other names: c.181C>T, p.Leu61Phe (NM_000244.4, NM_001370251.2, NM_001370260.2 and 20 more transcripts); short protein forms L61F.
Identifiers: ClinVar variation 2847608 (VCV002847608.3), dbSNP rs1942007358, ClinGen allele CA381187700.